The following is an entry in ClinVar:

NM_032444.4(SLX4):c.2231G>A (p.Ser744Asn)

Gene: SLX4 (SLX4 structure-specific endonuclease subunit; minus strand). Cytogenetic location: 16p13.3.
Variant type: single nucleotide variant.
Coding change: c.2231G>A on transcript NM_032444.4 (MANE Select); coding-DNA position 2231, G replaced by A.
Protein change: p.Ser744Asn; replaces serine 744 with asparagine.
Molecular consequence: missense variant.
Genome position (GRCh38, 1-based): chr16:3,592,795, C>T on the plus strand (G>A on the coding strand, the complement: SLX4 is on the minus strand). VCF-style: chr16-3592795-C-T. GRCh37 (hg19) VCF-style: chr16-3642796-C-T.
Other names: c.2231G>A (LRG_503t1); short protein forms S744N.
Identifiers: ClinVar variation 456298 (VCV000456298.9), dbSNP rs1307528536, ClinGen allele CA394524953.

ClinVar aggregate classification (germline): Uncertain significance (1 of 4 stars; one submission).

Conditions:
Fanconi anemia (FA). Also called: Fanconi's anemia. Identifiers: Orphanet 84, MedGen C0015625, MeSH D005199, MONDO:0019391.

Allele frequency attached by ClinVar (database versions not stated): gnomAD exomes below 0.00001 and 0.00004; gnomAD 0.00001.

Submission:

Labcorp Genetics (formerly Invitae), Labcorp
Classification: Uncertain significance for Fanconi anemia. Last evaluated: 2024-05-22. Review status: criteria provided, single submitter. Criteria: Invitae Variant Classification Sherloc (09022015). Collection method: clinical testing. Allele origin: germline.
Comment: This sequence change replaces serine, which is neutral and polar, with asparagine, which is neutral and polar, at codon 744 of the SLX4 protein (p.Ser744Asn). This variant is present in population databases (no rsID available, gnomAD no frequency). This variant has not been reported in the literature in individuals affected with SLX4-related conditions. ClinVar contains an entry for this variant (Variation ID: 456298). An algorithm developed to predict the effect of missense changes on protein structure and function (PolyPhen-2) suggests that this variant is likely to be disruptive. In summary, the available evidence is currently insufficient to determine the role of this variant in disease. Therefore, it has been classified as a Variant of Uncertain Significance.